The following is an entry in ClinVar:

NM_001356.5(DDX3X):c.265G>T (p.Gly89Ter)

Gene: DDX3X (DEAD-box helicase 3 X-linked; plus strand). Cytogenetic location: Xp11.4.
Variant type: single nucleotide variant.
Coding change: c.265G>T on transcript NM_001356.5 (MANE Select); coding-DNA position 265, G replaced by T.
Protein change: p.Gly89Ter; replaces glycine 89 with a stop codon.
Molecular consequence: nonsense. On other transcripts: 5 prime UTR variant (1), non-coding transcript variant (1).
Genome position (GRCh38, 1-based): chrX:41,341,597, G>T. VCF-style: chrX-41341597-G-T. GRCh37 (hg19) VCF-style: chrX-41200850-G-T.
Other names: c.265G>T, p.Gly89Ter (NM_001193416.3); c.217G>T, p.Gly73Ter (NM_001193417.3); c.-294G>T (NM_001363819.1); short protein forms G73*, G89*.
Identifiers: ClinVar variation 2662694 (VCV002662694.1), dbSNP rs2519505671, ClinGen allele CA412765237.

ClinVar aggregate classification (germline): Pathogenic (1 of 4 stars; one submission).

Submission:

GeneDx
Classification: Pathogenic. Last evaluated: 2023-10-23. Review status: criteria provided, single submitter. Criteria: GeneDx Variant Classification Process June 2021. Collection method: clinical testing. Allele origin: germline. Affected: yes.
Comment: Nonsense variant predicted to result in protein truncation or nonsense mediated decay in a gene for which loss of function is a known mechanism of disease; Not observed at significant frequency in large population cohorts (gnomAD); Has not been previously published as pathogenic or benign to our knowledge